The following is an entry in ClinVar:

NM_000289.6(PFKM):c.766C>T (p.Arg256Cys)

Gene: PFKM (phosphofructokinase, muscle; plus strand). Cytogenetic location: 12q13.11.
Variant type: single nucleotide variant.
Coding change: c.766C>T on transcript NM_000289.6 (MANE Select); coding-DNA position 766, C replaced by T.
Protein change: p.Arg256Cys; replaces arginine 256 with cysteine.
Molecular consequence: missense variant. On other transcripts: non-coding transcript variant (6).
Genome position (GRCh38, 1-based): chr12:48,134,961, C>T. VCF-style: chr12-48134961-C-T. GRCh37 (hg19) VCF-style: chr12-48528744-C-T.
Other names: c.979C>T, p.Arg327Cys (NM_001166686.2, NM_001354737.1, NM_001354738.1 and 1 more transcripts); c.766C>T, p.Arg256Cys (NM_001166687.2, NM_001166688.2, NM_001354742.2 and 4 more transcripts); c.1075C>T, p.Arg359Cys (NM_001354735.1, NM_001354736.1); c.910C>T, p.Arg304Cys (NM_001354740.1); c.790C>T, p.Arg264Cys (NM_001354741.2); c.679C>T, p.Arg227Cys (NM_001354745.2); c.616C>T, p.Arg206Cys (NM_001354747.2, NM_001354748.2); short protein forms R227C, R256C, R327C, R206C, R264C, R304C, R359C.
Identifiers: ClinVar variation 2166448 (VCV002166448.1), dbSNP rs754222770, ClinGen allele CA6537103.
Genomic context (GRCh38, chr12:48,134,961, plus strand): 5'-AGCTTCATTCCATGGACCATTTTACCCTTTGTTCTCAACCAGACAAGGACCCGTGGTTCT[C>T]GTCTCAACATCATCATTGTGGCTGAGGGTGCAATTGACAAGAATGGAAAACCAATCACCT-3'
Protein context (NP_000280.1, residues 246-266): RLSETRTRGS[Arg256Cys]LNIIIVAEGA

ClinVar aggregate classification (germline): Uncertain significance (1 of 4 stars; one submission).

Conditions:
Glycogen storage disease, type VII (GSD7). Also called: TARUI DISEASE; MUSCLE PHOSPHOFRUCTOKINASE DEFICIENCY; PFKM DEFICIENCY; GSD VII. Identifiers: Orphanet 371, MedGen C0017926, MONDO:0009295, OMIM 232800.

Allele frequency attached by ClinVar (database versions not stated): TOPMed below 0.00001; gnomAD 0.00001; gnomAD exomes 0.00001; ExAC 0.00002.
gnomAD v4.1: 11 of 1,613,602 alleles (0.00068%); highest among the groups gnomAD compares: Admixed American, 0.0033%; no homozygotes.

Submission:

Labcorp Genetics (formerly Invitae), Labcorp
Classification: Uncertain significance for Glycogen storage disease, type VII. Last evaluated: 2022-02-25. Review status: criteria provided, single submitter. Criteria: Invitae Variant Classification Sherloc (09022015). Collection method: clinical testing. Allele origin: germline.
Comment: This sequence change replaces arginine, which is basic and polar, with cysteine, which is neutral and slightly polar, at codon 256 of the PFKM protein (p.Arg256Cys). This variant is present in population databases (rs754222770, gnomAD 0.006%). This variant has not been reported in the literature in individuals affected with PFKM-related conditions. Algorithms developed to predict the effect of missense changes on protein structure and function are either unavailable or do not agree on the potential impact of this missense change (SIFT: "Deleterious"; PolyPhen-2: "Possibly Damaging"; Align-GVGD: "Class C0"). In summary, the available evidence is currently insufficient to determine the role of this variant in disease. Therefore, it has been classified as a Variant of Uncertain Significance.